The following is an entry in ClinVar:

NM_005419.4(STAT2):c.704T>C (p.Leu235Ser)

Gene: STAT2 (signal transducer and activator of transcription 2; minus strand). Cytogenetic location: 12q13.3.
Variant type: single nucleotide variant.
Coding change: c.704T>C on transcript NM_005419.4 (MANE Select); coding-DNA position 704, T replaced by C.
Protein change: p.Leu235Ser; replaces leucine 235 with serine.
Molecular consequence: missense variant.
Genome position (GRCh38, 1-based): chr12:56,354,544, A>G on the plus strand (T>C on the coding strand, the complement: STAT2 is on the minus strand). VCF-style: chr12-56354544-A-G. GRCh37 (hg19) VCF-style: chr12-56748328-A-G.
Other names: c.692T>C, p.Leu231Ser (NM_001385110.1, NM_001385115.1, NM_198332.2); c.704T>C, p.Leu235Ser (NM_001385111.1, NM_001385113.1, NM_001385114.1); short protein forms L231S, L235S.
Identifiers: ClinVar variation 1378638 (VCV001378638.6), dbSNP rs1324949275, ClinGen allele CA385262698.
Genomic context (GRCh38, chr12:56,354,544, plus strand): 5'-AACCCGTGGTCAATGGGAGCTCTGATGCAGGCTTTTTGCTGCTGGGCCTTCCACTCCTCC[A>G]ACTTTGGCAGCAGTAGCTCGATTAGGGTAGTTAATCGGCCTAGCAGTGCTTTGGAGGCAT-3'
Protein context (NP_005410.1, residues 225-245): TTLIELLLPK[Leu235Ser]EEWKAQQQKA

ClinVar aggregate classification (germline): Uncertain significance (1 of 4 stars; one submission).

Conditions:
Primary immunodeficiency with post-measles-mumps-rubella vaccine viral infection. Also called: Immunodeficiency 44. Identifiers: Orphanet 431166, MedGen C4225260, MONDO:0014715, OMIM 616636.

Allele frequency attached by ClinVar (database versions not stated): gnomAD 0.00001; TOPMed 0.00001.
gnomAD v4.1: 2 of 1,614,022 alleles (0.00012%); highest among the groups gnomAD compares: African/African-American, 0.0027%; no homozygotes.

Submission:

Labcorp Genetics (formerly Invitae), Labcorp
Classification: Uncertain significance for Primary immunodeficiency with post-measles-mumps-rubella vaccine viral infection. Last evaluated: 2021-09-15. Review status: criteria provided, single submitter. Criteria: Invitae Variant Classification Sherloc (09022015). Collection method: clinical testing. Allele origin: germline.
Comment: This variant has not been reported in the literature in individuals affected with STAT2-related conditions. This variant is not present in population databases (ExAC no frequency). This sequence change replaces leucine with serine at codon 235 of the STAT2 protein (p.Leu235Ser). The leucine residue is highly conserved and there is a large physicochemical difference between leucine and serine. Advanced modeling of protein sequence and biophysical properties (such as structural, functional, and spatial information, amino acid conservation, physicochemical variation, residue mobility, and thermodynamic stability) performed at Invitae indicates that this missense variant is expected to disrupt STAT2 protein function. In summary, the available evidence is currently insufficient to determine the role of this variant in disease. Therefore, it has been classified as a Variant of Uncertain Significance.